The following is an entry in ClinVar:

NM_006949.4(STXBP2):c.801G>C (p.Glu267Asp)

Gene: STXBP2 (syntaxin binding protein 2; plus strand). Cytogenetic location: 19p13.2.
Variant type: single nucleotide variant.
Coding change: c.801G>C on transcript NM_006949.4 (MANE Select); coding-DNA position 801, G replaced by C.
Protein change: p.Glu267Asp; replaces glutamic acid 267 with aspartic acid.
Molecular consequence: missense variant. On other transcripts: non-coding transcript variant (1).
Genome position (GRCh38, 1-based): chr19:7,642,435, G>C. VCF-style: chr19-7642435-G-C. GRCh37 (hg19) VCF-style: chr19-7707321-G-C.
Other names: c.792G>C, p.Glu264Asp (NM_001127396.3); c.834G>C, p.Glu278Asp (NM_001272034.2); c.705G>C, p.Glu235Asp (NM_001414484.1); short protein forms E235D, E264D, E267D, E278D.
Identifiers: ClinVar variation 3897236 (VCV003897236.2).

ClinVar aggregate classification (germline): Uncertain significance (1 of 4 stars; one submission).

gnomAD v4.1: 1 of 1,613,952 alleles (0.000062%); highest among the groups gnomAD compares: Non-Finnish European, 0.000085%; no homozygotes.

Submission:

GeneDx
Classification: Uncertain significance. Last evaluated: 2026-05-13. Review status: criteria provided, single submitter. Criteria: GeneDx Variant Classification Process June 2021. Collection method: clinical testing. Allele origin: germline.
Comment: Not observed at significant frequency in large population cohorts (gnomAD); In silico analysis suggests that this missense variant does not alter protein structure/function; Has not been previously published as pathogenic or benign to our knowledge